The following is an entry in ClinVar:

NM_003801.4(GPAA1):c.615T>C (p.Thr205=)

Gene: GPAA1 (glycosylphosphatidylinositol anchor attachment 1; plus strand). Cytogenetic location: 8q24.3.
Variant type: single nucleotide variant.
Coding change: c.615T>C on transcript NM_003801.4 (MANE Select); coding-DNA position 615, T replaced by C.
Protein change: p.Thr205=; no amino-acid change (threonine 205 retained).
Molecular consequence: synonymous variant.
Genome position (GRCh38, 1-based): chr8:144,084,039, T>C. VCF-style: chr8-144084039-T-C. GRCh37 (hg19) VCF-style: chr8-145138942-T-C.
Identifiers: ClinVar variation 4534170 (VCV004534170.6).

ClinVar aggregate classification (germline): Likely benign (1 of 4 stars; one submission).

Submission:

CeGaT Center for Human Genetics Tuebingen
Classification: Likely benign. Last evaluated: 2025-11-01. Review status: criteria provided, single submitter. Criteria: CeGaT Center For Human Genetics Tuebingen Variant Classification Criteria Version 2. Collection method: clinical testing. Allele origin: germline. Affected: yes. Observed: 1 variant allele.
Comment: GPAA1: BP4, BP7